The following is an entry in ClinVar:

NM_053025.4(MYLK):c.5578G>A (p.Asp1860Asn)

Genes: MYLK (myosin light chain kinase; minus strand), MYLK-AS1 (MYLK antisense RNA 1; plus strand). Cytogenetic location: 3q21.1.
Variant type: single nucleotide variant.
Coding change: c.5578G>A on transcript NM_053025.4 (MANE Select); coding-DNA position 5578, G replaced by A.
Protein change: p.Asp1860Asn; replaces aspartic acid 1860 with asparagine.
Molecular consequence: missense variant.
Genome position (GRCh38, 1-based): chr3:123,614,272, C>T on the plus strand (G>A on the coding strand, the complement: MYLK is on the minus strand). VCF-style: chr3-123614272-C-T. GRCh37 (hg19) VCF-style: chr3-123333119-C-T.
Other names: c.5050G>A, p.Asp1684Asn (NM_001321309.2); c.5371G>A, p.Asp1791Asn (NM_053026.4); c.5425G>A, p.Asp1809Asn (NM_053027.4); c.5218G>A, p.Asp1740Asn (NM_053028.4); c.295G>A, p.Asp99Asn (NM_053031.4); c.298G>A, p.Asp100Asn (NM_053032.4); short protein forms D1791N, D1860N, D100N, D1740N, D1684N, D1809N, D99N.
Identifiers: ClinVar variation 2603914 (VCV002603914.3), dbSNP rs757115211, ClinGen allele CA073110.
Genomic context (GRCh38, chr3:123,614,272, plus strand): 5'-ACTTGGCATCGTCATCCCCGCAAACATCACTAATAATTAAAGAGCAGTTCCCGTCCTCAT[C>T]GTAGTCTATCTGGAAGTGGCGGGACTCCCTGATTGACTGGTCATCTTTGAACCAGACAAC-3'
Protein context (NP_444253.3, residues 1850-1870): RESRHFQIDY[Asp1860Asn]EDGNCSLIIS

ClinVar aggregate classification (germline): Uncertain significance (1 of 4 stars; one submission).

Conditions:
Familial thoracic aortic aneurysm and aortic dissection (TAAD). Also called: Thoracic aortic aneurysms and dissections. Identifiers: Orphanet 91387, MedGen C4707243, MONDO:0019625.

Allele frequency attached by ClinVar (database versions not stated): gnomAD 0.00001; gnomAD exomes below 0.00001; ExAC 0.00001.
gnomAD v4.1: 2 of 1,614,040 alleles (0.00012%); highest among the groups gnomAD compares: East Asian, 0.0022%; no homozygotes.

Submission:

Ambry Genetics
Classification: Uncertain significance for Familial thoracic aortic aneurysm and aortic dissection. Last evaluated: 2026-08-24. Review status: criteria provided, single submitter. Criteria: Ambry Variant Classification Scheme 2023. Collection method: clinical testing. Allele origin: germline.
Comment: The p.D1860N variant (also known as c.5578G>A), located in coding exon 31 of the MYLK gene, results from a G to A substitution at nucleotide position 5578. The aspartic acid at codon 1860 is replaced by asparagine, an amino acid with highly similar properties. This amino acid position is conserved. In addition, this alteration is predicted to be tolerated by in silico analysis. Based on the available evidence, the clinical significance of this variant remains unclear.